The following is an entry in ClinVar:

NM_007194.4(CHEK2):c.1478_1480del (p.Arg493del)

Gene: CHEK2 (checkpoint kinase 2; minus strand). Cytogenetic location: 22q12.1.
Variant type: Deletion.
Coding change: c.1478_1480del on transcript NM_007194.4 (MANE Select); coding-DNA positions 1478 to 1480, 3 bases deleted (GAA; older notation c.1478_1480delGAA).
Protein change: p.Arg493del; deletes arginine 493.
Molecular consequence: inframe deletion.
Genome position (GRCh38, 1-based): chr22:28,689,197-28,689,199, TTC deleted on the plus strand (GAA on the coding strand, the reverse complement: CHEK2 is on the minus strand); deleting any 3 consecutive bases within chr22:28,689,197-28,689,200 gives the same sequence; the c. name uses the placement nearest the transcript's 3' end. VCF-style (leftmost placement, unchanged base first): chr22-28689196-TTTC-T. GRCh37 (hg19) VCF-style: chr22-29085184-TTTC-T.
Other names: c.1607_1609del, p.Arg536del (NM_001005735.3); c.815_817del, p.Arg272del (NM_001257387.3, NM_001437942.1); c.1277_1279del, p.Arg426del (NM_001349956.3); c.1571_1573del, p.Arg524del (NM_001438293.1); c.1520_1522del, p.Arg507del (NM_001438294.1); c.1484_1486del, p.Arg495del (NM_001438295.1); c.1391_1393del, p.Arg464del (NM_145862.3); short protein forms R272del, R495del, R536del, R464del, R507del, R426del, R493del, R524del.
Identifiers: ClinVar variation 4714950 (VCV004714950.1).

ClinVar aggregate classification (germline): Uncertain significance (1 of 4 stars; one submission).

Conditions:
Familial cancer of breast. Also called: hereditary breast carcinoma; BREAST CANCER, FAMILIAL; Hereditary breast cancer. Identifiers: Orphanet 227535, MedGen C0346153, MONDO:0016419, OMIM 114480. Disease mechanism: loss of function.

Submission:

Labcorp Genetics (formerly Invitae), Labcorp
Classification: Uncertain significance for Familial cancer of breast. Last evaluated: 2025-03-12. Review status: criteria provided, single submitter. Criteria: Invitae Variant Classification Sherloc (09022015). Collection method: clinical testing. Allele origin: germline.
Comment: This variant, c.1478_1480del, results in the deletion of 1 amino acid(s) of the CHEK2 protein (p.Arg493del), but otherwise preserves the integrity of the reading frame. This variant is not present in population databases (gnomAD no frequency). This variant has not been reported in the literature in individuals affected with CHEK2-related conditions. In summary, the available evidence is currently insufficient to determine the role of this variant in disease. Therefore, it has been classified as a Variant of Uncertain Significance.